The following is an entry in ClinVar:

NM_001148.6(ANK2):c.1400C>T (p.Ala467Val)

Gene: ANK2 (ankyrin 2; plus strand). Cytogenetic location: 4q26.
Variant type: single nucleotide variant.
Coding change: c.1400C>T on transcript NM_001148.6 (MANE Select); coding-DNA position 1400, C replaced by T.
Protein change: p.Ala467Val; replaces alanine 467 with valine.
Molecular consequence: missense variant.
Genome position (GRCh38, 1-based): chr4:113,264,910, C>T. VCF-style: chr4-113264910-C-T. GRCh37 (hg19) VCF-style: chr4-114186066-C-T.
Other names: c.1337C>T, p.Ala446Val (NM_001386161.1, NM_001354243.2, NM_001354244.2 and 14 more transcripts); c.1313C>T, p.Ala438Val (NM_001386162.1, NM_001354249.2, NM_001354266.2 and 13 more transcripts); c.1451C>T, p.Ala484Val (NM_001386174.1); c.1427C>T, p.Ala476Val (NM_001386175.1); c.1388C>T, p.Ala463Val (NM_001386186.2, NM_001386148.2); c.1364C>T, p.Ala455Val (NM_001386187.2); c.1400C>T, p.Ala467Val (NM_020977.5, NM_001354245.2, NM_001354246.2 and 8 more transcripts); c.1445C>T, p.Ala482Val (NM_001354240.2, NM_001354241.2, NM_001354242.2 and 5 more transcripts); and 4 more; short protein forms A397V, A446V, A476V, A401V, A438V, A463V, A453V, A372V.
Identifiers: ClinVar variation 4613562 (VCV004613562.1).

ClinVar aggregate classification (germline): Uncertain significance (1 of 4 stars; one submission).

Conditions:
Cardiovascular phenotype. Identifiers: MedGen CN230736.

Submission:

Ambry Genetics
Classification: Uncertain significance for Cardiovascular phenotype. Last evaluated: 2025-11-10. Review status: criteria provided, single submitter. Criteria: Ambry Variant Classification Scheme 2023. Collection method: clinical testing. Allele origin: germline.
Comment: The p.A467V variant (also known as c.1400C>T), located in coding exon 14 of the ANK2 gene, results from a C to T substitution at nucleotide position 1400. The alanine at codon 467 is replaced by valine, an amino acid with similar properties. This amino acid position is conserved. In addition, this alteration is predicted to be deleterious by in silico analysis. Based on the available evidence, the clinical significance of this variant remains unclear.